The following is an entry in ClinVar:

NM_000069.3(CACNA1S):c.1467C>T (p.Arg489=)

Gene: CACNA1S (calcium voltage-gated channel subunit alpha1 S; minus strand). Cytogenetic location: 1q32.1.
Variant type: single nucleotide variant.
Coding change: c.1467C>T on transcript NM_000069.3 (MANE Select); coding-DNA position 1467, C replaced by T.
Protein change: p.Arg489=; no amino-acid change (arginine 489 retained).
Molecular consequence: synonymous variant.
Genome position (GRCh38, 1-based): chr1:201,078,031, G>A on the plus strand (C>T on the coding strand, the complement: CACNA1S is on the minus strand). VCF-style: chr1-201078031-G-A. GRCh37 (hg19) VCF-style: chr1-201047159-G-A.
Identifiers: ClinVar variation 515717 (VCV000515717.5), dbSNP rs1384040104, ClinGen allele CA422815223.
Genomic context (GRCh38, chr1:201,078,031, plus strand): 5'-CAGGATACCGCTACACACCACGAAGCAGTCGAAGCGGTTGAAGATAGACATGAAGTACTG[G>A]CGCAGGCCCAGCCCGTACATCTTCATCAGCATCTCAGTGGTGAAGAGGGACAGCAGCACC-3'
Protein context (NP_000060.2, residues 479-499): MLMKMYGLGL[Arg489=]QYFMSIFNRF

ClinVar aggregate classification (germline): Likely benign. Review status: criteria provided, multiple submitters, no conflicts (2 of 4 stars). 3 submissions from 3 submitters: Likely benign (3). Last evaluated 2025-07-25.

Conditions:
Hypokalemic periodic paralysis, type 1. Also called: HypoPP; Hypokalemic Periodic Paralysis Type 1 (AD). Identifiers: Orphanet 681, MedGen C3714580, MONDO:0042979, OMIM 170400.
Malignant hyperthermia, susceptibility to, 5 (MHS5). Also called: CACNA1S-Related Malignant Hyperthermia Susceptibility. Identifiers: Orphanet 423, MedGen C1866077, MONDO:0011163, OMIM 601887.

Allele frequency attached by ClinVar (database versions not stated): gnomAD exomes below 0.00001 and 0.00001; gnomAD 0.00002; TOPMed 0.00002.
gnomAD v4.1: 8 of 1,614,066 alleles (0.0005%); highest among the groups gnomAD compares: African/African-American, 0.008%; no homozygotes.

Submissions (3):

Color Diagnostics, LLC DBA Color Health
Classification: Likely benign for Malignant hyperthermia, susceptibility to, 5. Last evaluated: 2025-07-25. Review status: criteria provided, single submitter. Criteria: ACMG Guidelines, 2015. Collection method: clinical testing. Allele origin: germline.

Labcorp Genetics (formerly Invitae), Labcorp
Classification: Likely benign for Hypokalemic periodic paralysis, type 1; Malignant hyperthermia, susceptibility to, 5. Last evaluated: 2022-12-20. Review status: criteria provided, single submitter. Criteria: Invitae Variant Classification Sherloc (09022015). Collection method: clinical testing. Allele origin: germline.

GeneDx
Classification: Likely benign. Last evaluated: 2018-03-01. Review status: criteria provided, single submitter. Criteria: GeneDx Variant Classification (06012015). Collection method: clinical testing. Allele origin: germline. Affected: yes.
Comment: This variant is considered likely benign or benign based on one or more of the following criteria: it is a conservative change, it occurs at a poorly conserved position in the protein, it is predicted to be benign by multiple in silico algorithms, and/or has population frequency not consistent with disease.